The following is an entry in ClinVar:

NM_005506.4(SCARB2):c.8G>A (p.Arg3Gln)

Gene: SCARB2 (scavenger receptor class B member 2; minus strand). Cytogenetic location: 4q21.1.
Variant type: single nucleotide variant.
Coding change: c.8G>A on transcript NM_005506.4 (MANE Select); coding-DNA position 8, G replaced by A.
Protein change: p.Arg3Gln; replaces arginine 3 with glutamine.
Molecular consequence: missense variant.
Genome position (GRCh38, 1-based): chr4:76,213,536, C>T on the plus strand (G>A on the coding strand, the complement: SCARB2 is on the minus strand). VCF-style: chr4-76213536-C-T. GRCh37 (hg19) VCF-style: chr4-77134689-C-T.
Other names: c.8G>A, p.Arg3Gln (NM_001204255.2); short protein forms R3Q.
Identifiers: ClinVar variation 1487457 (VCV001487457.8), dbSNP rs937537878, ClinGen allele CA99864132.

ClinVar aggregate classification (germline): Uncertain significance (1 of 4 stars; one submission).

Conditions:
Progressive myoclonic epilepsy. Also called: Myoclonus epilepsy; Progressive myoclonus epilepsy; Familial progressive myoclonic epilepsy; Myoclonic Epilepsies, Progressive. Identifiers: Orphanet 308, Orphanet 98261, MedGen C0751778, MONDO:0020074.

Allele frequency attached by ClinVar (database versions not stated): gnomAD exomes below 0.00001.
gnomAD v4.1: 1 of 1,608,808 alleles (0.000062%); highest among the groups gnomAD compares: Admixed American, 0.0017%; no homozygotes.

Submission:

Labcorp Genetics (formerly Invitae), Labcorp
Classification: Uncertain significance for Progressive myoclonic epilepsy. Last evaluated: 2021-03-17. Review status: criteria provided, single submitter. Criteria: Invitae Variant Classification Sherloc (09022015). Collection method: clinical testing. Allele origin: germline.
Comment: This sequence change replaces arginine with glutamine at codon 3 of the SCARB2 protein (p.Arg3Gln). The arginine residue is moderately conserved and there is a small physicochemical difference between arginine and glutamine. This variant is not present in population databases (ExAC no frequency). In summary, the available evidence is currently insufficient to determine the role of this variant in disease. Therefore, it has been classified as a Variant of Uncertain Significance. Algorithms developed to predict the effect of missense changes on protein structure and function (SIFT, PolyPhen-2, Align-GVGD) all suggest that this variant is likely to be tolerated, but these predictions have not been confirmed by published functional studies and their clinical significance is uncertain. This variant has not been reported in the literature in individuals with SCARB2-related conditions.